The following is an entry in ClinVar:

NM_014009.4(FOXP3):c.543C>T (p.Ser181=)

Gene: FOXP3 (forkhead box P3; minus strand). Cytogenetic location: Xp11.23.
Variant type: single nucleotide variant.
Coding change: c.543C>T on transcript NM_014009.4 (MANE Select); coding-DNA position 543, C replaced by T.
Protein change: p.Ser181=; no amino-acid change (serine 181 retained).
Molecular consequence: synonymous variant.
Genome position (GRCh38, 1-based): chrX:49,256,855, G>A on the plus strand (C>T on the coding strand, the complement: FOXP3 is on the minus strand). VCF-style: chrX-49256855-G-A. GRCh37 (hg19) VCF-style: chrX-49113312-G-A.
Other names: p.Ser181=; c.438C>T, p.Ser146= (NM_001114377.2).
Identifiers: ClinVar variation 129111 (VCV000129111.37), dbSNP rs2232367, ClinGen allele CA152905.
Genomic context (GRCh38, chrX:49,256,855, plus strand): 5'-CCACTTGCAGACACCATTTGCCAGCAGTGGGTAGGAGCTCTGGGGCACAGCCGAAAGGGT[G>A]CTGGGGGGACAGAGGGTGTCAGGGGAGGGGATAGGAGGGCGAGGATCCTTCCCAGCCCTG-3'
Protein context (NP_054728.2, residues 171-191): FPNPSAPRKD[Ser181=]TLSAVPQSSY

ClinVar aggregate classification (germline): Conflicting classifications of pathogenicity. Review status: criteria provided, conflicting classifications (1 of 4 stars). 12 submissions from 12 submitters: Uncertain significance (1); Benign (7); Likely benign (4). Last evaluated 2026-02-04.

Conditions:
Insulin-dependent diabetes mellitus secretory diarrhea syndrome (IPEX). Also called: DIABETES MELLITUS, CONGENITAL INSULIN-DEPENDENT, WITH FATAL SECRETORY DIARRHEA; DIARRHEA, POLYENDOCRINOPATHY, FATAL INFECTION SYNDROME, X-LINKED; ENTEROPATHY, AUTOIMMUNE, WITH HEMOLYTIC ANEMIA AND POLYENDOCRINOPATHY; Immunodysregulation, polyendocrinopathy, and enteropathy, X-linked; Immune dysregulation-polyendocrinopathy-enteropathy-X-linked syndrome; X-Linked Autoimmunity-Allergic Dysregulation Syndrome. Identifiers: Orphanet 37042, MedGen C0342288, MONDO:0010580, OMIM 304790. Disease mechanism: loss of function.

Allele frequency attached by ClinVar (database versions not stated): 1000 Genomes Project 0.01483; 1000 Genomes Project 30x 0.01498; TOPMed 0.02787; gnomAD 0.02946 and 0.03006; ESP Exome Variant Server 0.02973; ExAC 0.03135; gnomAD exomes 0.03148 and 0.03465.
gnomAD v4.1: 41,262 of 1,209,803 alleles (3.4%); highest among the groups gnomAD compares: Middle Eastern, 4.9%; 594 homozygotes.

Submissions (12):

Labcorp Genetics (formerly Invitae), Labcorp
Classification: Benign for Insulin-dependent diabetes mellitus secretory diarrhea syndrome. Last evaluated: 2026-02-04. Review status: criteria provided, single submitter. Criteria: Invitae Variant Classification Sherloc (09022015). Collection method: clinical testing. Allele origin: germline.

Women's Health and Genetics/Laboratory Corporation of America, LabCorp
Classification: Benign. Last evaluated: 2025-11-14. Review status: criteria provided, single submitter. Criteria: LabCorp Variant Classification Summary - May 2015. Collection method: clinical testing. Allele origin: germline.

ARUP Laboratories, Molecular Genetics and Genomics, ARUP Laboratories
Classification: Benign for Insulin-dependent diabetes mellitus secretory diarrhea syndrome. Last evaluated: 2025-03-25. Review status: criteria provided, single submitter. Criteria: ARUP Molecular Germline Variant Investigation Process 2024. Collection method: clinical testing. Allele origin: germline.

Blueprint Genetics
Classification: Likely benign. Last evaluated: 2024-11-28. Review status: criteria provided, single submitter. Criteria: ACMG Guidelines, 2015. Collection method: clinical testing. Allele origin: germline.

GeneDx
Classification: Benign. Last evaluated: 2019-01-23. Review status: criteria provided, single submitter. Criteria: GeneDx Variant Classification Process June 2021. Collection method: clinical testing. Allele origin: germline. Affected: yes.
Comment: This variant is associated with the following publications: (PMID: 22132891, 12819471, 23374272, 16741580, 12161590, 11753102, 27884173, 29241729)

Mayo Clinic Laboratories, Mayo Clinic
Classification: Benign. Last evaluated: 2018-06-11. Review status: criteria provided, single submitter. Criteria: ACMG Guidelines, 2015. Collection method: clinical testing. Allele origin: germline. Observed: 57 variant alleles.

Center for Pediatric Genomic Medicine, Children's Mercy Hospital and Clinics
Classification: Likely benign. Last evaluated: 2017-03-09. Review status: criteria provided, single submitter. Criteria: ACMG Guidelines, 2015. Collection method: clinical testing. Allele origin: germline.

Eurofins Ntd Llc (ga)
Classification: Benign. Last evaluated: 2016-10-20. Review status: criteria provided, single submitter. Criteria: EGL Classification Definitions 2015. Collection method: clinical testing. Allele origin: germline. Observed: 1 variant allele, 1 heterozygote.

Laboratory for Molecular Medicine, Mass General Brigham Personalized Medicine
Classification: Benign. Last evaluated: 2016-03-29. Review status: criteria provided, single submitter. Criteria: LMM Criteria. Collection method: clinical testing. Allele origin: germline.
Comment: Variant identified in a genome or exome case(s) and assessed due to predicted null impact of the variant or pathogenic assertions in the literature or databases. Disclaimer: This variant has not undergone full assessment. The following are preliminary notes: Frequency in ESP (all):314/10563= 2.97%

Genetic Services Laboratory, University of Chicago
Classification: Likely benign for AllHighlyPenetrant. Last evaluated: 2013-03-27. Review status: criteria provided, single submitter. Criteria: ACMG Guidelines, 2007. Collection method: clinical testing. Allele origin: germline. Inheritance: X-linked inheritance.

Breakthrough Genomics
Classification: Likely benign. Review status: criteria provided, single submitter. Criteria: ACMG Guidelines, 2015. Collection method: not provided. Allele origin: germline. Inheritance: X-linked inheritance. Affected: yes.

Clinical Genomics, Uppaluri K&H Personalized Medicine Clinic
Classification: Uncertain significance for Insulin-dependent diabetes mellitus secretory diarrhea syndrome. Review status: criteria provided, single submitter. Criteria: K & H Uppaluri Personalized Medicine Clinic Variant Classification & Assertion Criteria_Updated V.1. Collection method: research. Allele origin: unknown. Inheritance: X-linked recessive inheritance.
Comment: Potent mutations in FOXP3 gene are associated with a rare X linked condition called IPEX. It presents with immune dysregulation, secretory diarrhea, polyendocrinopathy which includes diabtes type 1, thyroiditis, growth hormone deficiency and hypoadrenalism. It is associated with pancreatic beta cell destruction. However no sufficient evidence is found to ascertain the role of this particular variant rs2232367, yet.

Literature cited by the submitters: PubMed 29193502 (cited by Clinical Genomics, Uppaluri K&H Personalized Medicine Clinic); PubMed 33194927 (cited by Clinical Genomics, Uppaluri K&H Personalized Medicine Clinic); PubMed 11137993 (cited by Clinical Genomics, Uppaluri K&H Personalized Medicine Clinic); PubMed 23313429 (cited by Clinical Genomics, Uppaluri K&H Personalized Medicine Clinic); PubMed 33523441 (cited by Clinical Genomics, Uppaluri K&H Personalized Medicine Clinic).